The following is an entry in ClinVar:

NM_001376.5(DYNC1H1):c.1760G>A (p.Arg587Lys)

Gene: DYNC1H1 (dynein cytoplasmic 1 heavy chain 1; plus strand). Cytogenetic location: 14q32.31.
Variant type: single nucleotide variant.
Coding change: c.1760G>A on transcript NM_001376.5 (MANE Select); coding-DNA position 1760, G replaced by A.
Protein change: p.Arg587Lys; replaces arginine 587 with lysine.
Molecular consequence: missense variant.
Genome position (GRCh38, 1-based): chr14:101,985,985, G>A. VCF-style: chr14-101985985-G-A. GRCh37 (hg19) VCF-style: chr14-102452322-G-A.
Other names: short protein forms R587K.
Identifiers: ClinVar variation 1700494 (VCV001700494.2), dbSNP rs759317878, ClinGen allele CA7351732.

ClinVar aggregate classification (germline): Uncertain significance (1 of 4 stars; one submission).

Allele frequency attached by ClinVar (database versions not stated): gnomAD exomes below 0.00001; TOPMed below 0.00001; ExAC 0.00001.
gnomAD v4.1: 1 of 1,614,174 alleles (0.000062%); highest among the groups gnomAD compares: African/African-American, 0.0013%; no homozygotes.

Submission:

GeneDx
Classification: Uncertain significance. Last evaluated: 2022-02-08. Review status: criteria provided, single submitter. Criteria: GeneDx Variant Classification Process June 2021. Collection method: clinical testing. Allele origin: germline. Affected: yes.
Comment: In silico analysis supports that this missense variant does not alter protein structure/function; Has not been previously published as pathogenic or benign to our knowledge; This variant is associated with the following publications: (PMID: 26100331, 25512093, 25609763)